The following is an entry in ClinVar:

ClinVar aggregate classification (germline): Uncertain significance (1 of 4 stars; one submission).

Submission:

Ambry Genetics
Classification: Uncertain significance. Last evaluated: 2024-05-29. Review status: criteria provided, single submitter. Criteria: Ambry Variant Classification Scheme 2023. Collection method: clinical testing. Allele origin: germline.
Comment: Does not currently meet published gene-disease clinical validity criteria Based on insufficient or conflicting evidence, the clinical significance of this alteration remains unclear.

Literature cited by the submitters: PubMed 28106320.

NM_181712.5(KANK4):c.495G>A (p.Met165Ile)

Gene: KANK4 (KN motif and ankyrin repeat domains 4; minus strand). Cytogenetic location: 1p31.3.
Variant type: single nucleotide variant.
Coding change: c.495G>A on transcript NM_181712.5 (MANE Select); coding-DNA position 495, G replaced by A.
Protein change: p.Met165Ile; replaces methionine 165 with isoleucine.
Molecular consequence: missense variant. On other transcripts: intron variant (1).
Genome position (GRCh38, 1-based): chr1:62,274,609, C>T on the plus strand (G>A on the coding strand, the complement: KANK4 is on the minus strand). VCF-style: chr1-62274609-C-T. GRCh37 (hg19) VCF-style: chr1-62740281-C-T.
Other names: c.17-3020G>A (NM_001320269.2); short protein forms M165I.
Identifiers: ClinVar variation 3287343 (VCV003287343.1).